The following is an entry in ClinVar:

NM_198994.3(TGM6):c.1343G>A (p.Arg448Gln)

Gene: TGM6 (transglutaminase 6; plus strand). Cytogenetic location: 20p13.
Variant type: single nucleotide variant.
Coding change: c.1343G>A on transcript NM_198994.3 (MANE Select); coding-DNA position 1343, G replaced by A.
Protein change: p.Arg448Gln; replaces arginine 448 with glutamine.
Molecular consequence: missense variant.
Genome position (GRCh38, 1-based): chr20:2,417,238, G>A. VCF-style: chr20-2417238-G-A. GRCh37 (hg19) VCF-style: chr20-2397884-G-A.
Other names: c.1343G>A, p.Arg448Gln (NM_001254734.2); short protein forms R448Q.
Identifiers: ClinVar variation 2470157 (VCV002470157.4), dbSNP rs777834583, ClinGen allele CA9732077.

ClinVar aggregate classification (germline): Uncertain significance. Review status: criteria provided, multiple submitters, no conflicts (2 of 4 stars). 2 submissions from 2 submitters: Uncertain significance (2). Last evaluated 2025-11-03.

Conditions:
Inborn genetic diseases. Identifiers: MedGen C0950123, MeSH D030342.

Allele frequency attached by ClinVar (database versions not stated): TOPMed 0.00005; ExAC 0.00006; gnomAD 0.00005; gnomAD exomes 0.00008.

Submissions (2):

Ambry Genetics
Classification: Uncertain significance for Inborn genetic diseases. Last evaluated: 2025-11-03. Review status: criteria provided, single submitter. Criteria: Ambry Variant Classification Scheme 2023. Collection method: clinical testing. Allele origin: germline.

Athena Diagnostics
Classification: Uncertain significance. Last evaluated: 2023-08-11. Review status: criteria provided, single submitter. Criteria: Athena Diagnostics Criteria. Collection method: clinical testing. Allele origin: unknown.
Comment: Available data are insufficient to determine the clinical significance of the variant at this time. The frequency of this variant in the general population is higher than would generally be expected for pathogenic variants in this gene. Computational tools predict that this variant is not damaging.